The following is an entry in ClinVar:

ClinVar aggregate classification (germline): Uncertain significance. Review status: criteria provided, multiple submitters, no conflicts (2 of 4 stars). 2 submissions from 2 submitters: Uncertain significance (2). Last evaluated 2025-05-01.

Conditions:
Inborn genetic diseases. Identifiers: MedGen C0950123, MeSH D030342.

gnomAD v4.1: 2 of 1,611,482 alleles (0.00012%); highest among the groups gnomAD compares: Non-Finnish European, 0.00017%; no homozygotes.

Submissions (2):

CeGaT Center for Human Genetics Tuebingen
Classification: Uncertain significance. Last evaluated: 2025-05-01. Review status: criteria provided, single submitter. Criteria: CeGaT Center For Human Genetics Tuebingen Variant Classification Criteria Version 2. Collection method: clinical testing. Allele origin: germline. Affected: yes. Observed: 1 variant allele.
Comment: KCNT2: PM2

Ambry Genetics
Classification: Uncertain significance for Inborn genetic diseases. Last evaluated: 2022-09-07. Review status: criteria provided, single submitter. Criteria: Ambry Variant Classification Scheme 2023. Collection method: clinical testing. Allele origin: germline.
Comment: The c.1607T>C (p.L536P) alteration is located in exon 16 (coding exon 16) of the KCNT2 gene. This alteration results from a T to C substitution at nucleotide position 1607, causing the leucine (L) at amino acid position 536 to be replaced by a proline (P). This variant was not reported in population-based cohorts in the Genome Aggregation Database (gnomAD). This amino acid position is highly conserved in available vertebrate species. The in silico prediction for this alteration is inconclusive. Based on insufficient or conflicting evidence, the clinical significance of this alteration remains unclear.

NM_198503.5(KCNT2):c.1607T>C (p.Leu536Pro)

Gene: KCNT2 (potassium sodium-activated channel subfamily T member 2; minus strand). Cytogenetic location: 1q31.3.
Variant type: single nucleotide variant.
Coding change: c.1607T>C on transcript NM_198503.5 (MANE Select); coding-DNA position 1607, T replaced by C.
Protein change: p.Leu536Pro; replaces leucine 536 with proline.
Molecular consequence: missense variant. On other transcripts: non-coding transcript variant (2).
Genome position (GRCh38, 1-based): chr1:196,340,517, A>G on the plus strand (T>C on the coding strand, the complement: KCNT2 is on the minus strand). VCF-style: chr1-196340517-A-G. GRCh37 (hg19) VCF-style: chr1-196309647-A-G.
Other names: c.1607T>C, p.Leu536Pro (NM_001287819.3); c.1457T>C, p.Leu486Pro (NM_001287820.3); short protein forms L536P, L486P.
Identifiers: ClinVar variation 2311188 (VCV002311188.26), dbSNP rs2527043511, ClinGen allele CA343979325.